The following is an entry in ClinVar:

ClinVar aggregate classification (germline): Uncertain significance. Review status: criteria provided, multiple submitters, no conflicts (2 of 4 stars). 2 submissions from 2 submitters: Uncertain significance (2). Last evaluated 2024-04-12.

Conditions:
Cardiovascular phenotype. Identifiers: MedGen CN230736.
Obesity. Also called: Obesity disorder. Identifiers: Orphanet 71529, MedGen C0028754, MeSH D009765, MONDO:0011122, HP:0001513.

gnomAD v4.1: 41 of 1,613,376 alleles (0.0025%); highest among the groups gnomAD compares: Non-Finnish European, 0.0035%; no homozygotes.

Submissions (2):

Ambry Genetics
Classification: Uncertain significance for Cardiovascular phenotype. Last evaluated: 2024-04-12. Review status: criteria provided, single submitter. Criteria: Ambry Variant Classification Scheme 2023. Collection method: clinical testing. Allele origin: germline.
Comment: The p.E584G variant (also known as c.1751A>G), located in coding exon 10 of the SOS1 gene, results from an A to G substitution at nucleotide position 1751. The glutamic acid at codon 584 is replaced by glycine, an amino acid with similar properties. This amino acid position is conserved. In addition, the in silico prediction for this alteration is inconclusive. Based on the available evidence, the clinical significance of this variant remains unclear.

Cambridge Genomics Laboratory, East Genomic Laboratory Hub, NHS Genomic Medicine Service
Classification: Uncertain significance for Obesity. Last evaluated: 2020-05-14. Review status: criteria provided, single submitter. Criteria: ACGS Best Practice Guidelines for Variant Classification in Rare Disease 2020. Collection method: clinical testing. Allele origin: germline. Affected: yes. Observed: 1 variant allele.

NM_005633.4(SOS1):c.1751A>G (p.Glu584Gly)

Gene: SOS1 (SOS Ras/Rac guanine nucleotide exchange factor 1; minus strand). Cytogenetic location: 2p22.1.
Variant type: single nucleotide variant.
Coding change: c.1751A>G on transcript NM_005633.4 (MANE Select); coding-DNA position 1751, A replaced by G.
Protein change: p.Glu584Gly; replaces glutamic acid 584 with glycine.
Molecular consequence: missense variant.
Genome position (GRCh38, 1-based): chr2:39,022,677, T>C on the plus strand (A>G on the coding strand, the complement: SOS1 is on the minus strand). VCF-style: chr2-39022677-T-C. GRCh37 (hg19) VCF-style: chr2-39249818-T-C.
Other names: c.1730A>G, p.Glu577Gly (NM_001382394.1); c.1751A>G, p.Glu584Gly (NM_001382395.1); short protein forms E577G, E584G.
Identifiers: ClinVar variation 3321540 (VCV003321540.2).